The following is an entry in ClinVar:

ClinVar aggregate classification (germline): Uncertain significance (1 of 4 stars; one submission).

Allele frequency attached by ClinVar (database versions not stated): TOPMed below 0.00001; ExAC 0.00001; gnomAD 0.00001; gnomAD exomes 0.00001.
gnomAD v4.1: 4 of 1,613,932 alleles (0.00025%); highest among the groups gnomAD compares: Non-Finnish European, 0.00034%; no homozygotes.

Submission:

Women's Health and Genetics/Laboratory Corporation of America, LabCorp
Classification: Uncertain significance. Last evaluated: 2022-11-21. Review status: criteria provided, single submitter. Criteria: LabCorp Variant Classification Summary - May 2015. Collection method: clinical testing. Allele origin: germline.
Comment: Variant summary: SON c.4453A>G (p.Lys1485Glu) results in a conservative amino acid change in the encoded protein sequence. Four of four in-silico tools predict a benign effect of the variant on protein function. The variant allele was found at a frequency of 4e-06 in 251126 control chromosomes (gnomAD). The available data on variant occurrences in the general population are insufficient to allow any conclusion about variant significance. To our knowledge, no occurrence of c.4453A>G in individuals affected with ZTTK Syndrome and no experimental evidence demonstrating its impact on protein function have been reported. No clinical diagnostic laboratories have submitted clinical-significance assessments for this variant to ClinVar after 2014. Based on the evidence outlined above, the variant was classified as uncertain significance.

NM_138927.4(SON):c.4453A>G (p.Lys1485Glu)

Gene: SON (SON DNA and RNA binding protein; plus strand). Cytogenetic location: 21q22.11.
Variant type: single nucleotide variant.
Coding change: c.4453A>G on transcript NM_138927.4 (MANE Select); coding-DNA position 4453, A replaced by G.
Protein change: p.Lys1485Glu; replaces lysine 1485 with glutamic acid.
Molecular consequence: missense variant. On other transcripts: non-coding transcript variant (1), intron variant (1).
Genome position (GRCh38, 1-based): chr21:33,553,684, A>G. VCF-style: chr21-33553684-A-G. GRCh37 (hg19) VCF-style: chr21-34925990-A-G.
Other names: c.4453A>G, p.Lys1485Glu (NM_001291411.2, NM_001412133.1, NM_032195.3 and 2 more transcripts); c.245-3472A>G (NM_001291412.3); short protein forms K1485E.
Identifiers: ClinVar variation 1804852 (VCV001804852.1), dbSNP rs776219195, ClinGen allele CA10009525.